The following is an entry in ClinVar:

ClinVar aggregate classification (germline): Uncertain significance. Review status: criteria provided, multiple submitters, no conflicts (2 of 4 stars). 2 submissions from 2 submitters: Uncertain significance (2). Last evaluated 2024-12-01.

Conditions:
Cyclical neutropenia. Also called: Cyclic hematopoiesis; Cyclic Neutropenia. Identifiers: Orphanet 2686, MedGen C0221023, MONDO:0008090, OMIM 162800, HP:0040289. Disease mechanism: loss of function.
Neutropenia, severe congenital, 1, autosomal dominant. Identifiers: MedGen C1859966, MONDO:0042490, OMIM 202700.
Inborn genetic diseases. Identifiers: MedGen C0950123, MeSH D030342.

Allele frequency attached by ClinVar (database versions not stated): ExAC 0.00001.

Submissions (2):

Ambry Genetics
Classification: Uncertain significance for Inborn genetic diseases. Last evaluated: 2024-12-01. Review status: criteria provided, single submitter. Criteria: Ambry Variant Classification Scheme 2023. Collection method: clinical testing. Allele origin: germline.
Comment: The p.H39Q variant (also known as c.117C>A), located in coding exon 2 of the ELANE gene, results from a C to A substitution at nucleotide position 117. The histidine at codon 39 is replaced by glutamine, an amino acid with highly similar properties. This amino acid position is conserved. In addition, the in silico prediction for this alteration is inconclusive. Based on the available evidence, the clinical significance of this variant remains unclear.

Labcorp Genetics (formerly Invitae), Labcorp
Classification: Uncertain significance for Neutropenia, severe congenital, 1, autosomal dominant; Cyclical neutropenia. Last evaluated: 2024-04-17. Review status: criteria provided, single submitter. Criteria: Invitae Variant Classification Sherloc (09022015). Collection method: clinical testing. Allele origin: germline.
Comment: This sequence change replaces histidine, which is basic and polar, with glutamine, which is neutral and polar, at codon 39 of the ELANE protein (p.His39Gln). The frequency data for this variant in the population databases is considered unreliable, as metrics indicate poor data quality at this position in the gnomAD database. This variant has not been reported in the literature in individuals affected with ELANE-related conditions. ClinVar contains an entry for this variant (Variation ID: 2055989). Advanced modeling of protein sequence and biophysical properties (such as structural, functional, and spatial information, amino acid conservation, physicochemical variation, residue mobility, and thermodynamic stability) performed at Invitae indicates that this missense variant is not expected to disrupt ELANE protein function with a negative predictive value of 80%. In summary, the available evidence is currently insufficient to determine the role of this variant in disease. Therefore, it has been classified as a Variant of Uncertain Significance.

NM_001972.4(ELANE):c.117C>A (p.His39Gln)

Gene: ELANE (elastase, neutrophil expressed; plus strand). Cytogenetic location: 19p13.3.
Variant type: single nucleotide variant.
Coding change: c.117C>A on transcript NM_001972.4 (MANE Select); coding-DNA position 117, C replaced by A.
Protein change: p.His39Gln; replaces histidine 39 with glutamine.
Molecular consequence: missense variant.
Genome position (GRCh38, 1-based): chr19:852,925, C>A. VCF-style: chr19-852925-C-A. GRCh37 (hg19) VCF-style: chr19-852925-C-A.
Other names: short protein forms H39Q.
Identifiers: ClinVar variation 2055989 (VCV002055989.5), dbSNP rs774270504, ClinGen allele CA9025938.